The following is an entry in ClinVar:

ClinVar aggregate classification (germline): Uncertain significance (1 of 4 stars; one submission).

Conditions:
Primary ciliary dyskinesia. Also called: Ciliary dyskinesia. Identifiers: Orphanet 244, MedGen C0008780, MONDO:0016575, HP:0012265.

Submission:

Labcorp Genetics (formerly Invitae), Labcorp
Classification: Uncertain significance for Primary ciliary dyskinesia. Last evaluated: 2016-08-22. Review status: criteria provided, single submitter. Criteria: Invitae Variant Classification Sherloc (09022015). Collection method: clinical testing. Allele origin: germline.
Comment: In summary, this variant is a novel missense change that is not predicted to affect protein function. There is no indication that it causes disease, but the available evidence is currently insufficient to prove that conclusively. Therefore, it has been classified as a Variant of Uncertain Significance. Algorithms developed to predict the effect of missense changes on protein structure and function (SIFT, PolyPhen-2, Align-GVGD) all suggest that this variant is likely to be tolerated, but these predictions have not been confirmed by published functional studies. This variant is not present in population databases (ExAC no frequency) and has not been reported in the literature in individuals with a DNAH11-related disease. This sequence change replaces glycine with aspartic acid at codon 2118 of the DNAH11 protein (p.Gly2118Asp). The glycine residue is weakly conserved and there is a moderate physicochemical difference between glycine and aspartic acid.

NM_001277115.2(DNAH11):c.6353G>A (p.Gly2118Asp)

Gene: DNAH11 (dynein axonemal heavy chain 11; plus strand). Cytogenetic location: 7p15.3.
Variant type: single nucleotide variant.
Coding change: c.6353G>A on transcript NM_001277115.2 (MANE Select); coding-DNA position 6353, G replaced by A.
Protein change: p.Gly2118Asp; replaces glycine 2118 with aspartic acid.
Molecular consequence: missense variant.
Genome position (GRCh38, 1-based): chr7:21,704,513, G>A. VCF-style: chr7-21704513-G-A. GRCh37 (hg19) VCF-style: chr7-21744131-G-A.
Other names: short protein forms G2118D.
Identifiers: ClinVar variation 410851 (VCV000410851.9), dbSNP rs1060503061, ClinGen allele CA16612068.